The following is an entry in ClinVar:

NM_000051.4(ATM):c.2922-1G>T

Gene: ATM (ATM serine/threonine kinase; plus strand). Cytogenetic location: 11q22.3.
Variant type: single nucleotide variant.
Coding change: c.2922-1G>T on transcript NM_000051.4 (MANE Select); the canonical splice acceptor site of the intron before coding-DNA position 2922, G replaced by T.
Molecular consequence: splice acceptor variant.
Genome position (GRCh38, 1-based): chr11:108,271,250, G>T. VCF-style: chr11-108271250-G-T. GRCh37 (hg19) VCF-style: chr11-108141977-G-T.
Other names: c.2922-1G>T (NM_001351834.2).
Identifiers: ClinVar variation 490499 (VCV000490499.24), dbSNP rs1555084931, ClinGen allele CA382547064.

ClinVar aggregate classification (germline): Pathogenic/Likely pathogenic. Review status: criteria provided, multiple submitters, no conflicts (2 of 4 stars). 7 submissions from 7 submitters: Pathogenic (3); Likely pathogenic (3). 1 of the submissions does not count toward it. Last evaluated 2026-09-04.

Conditions:
ATM-related disorder. Also called: ATM-related disorders; ATM-related condition.
Hereditary cancer-predisposing syndrome. Also called: Neoplastic Syndromes, Hereditary; Hereditary Cancer Syndrome; Tumor predisposition; Hereditary neoplastic syndrome. Identifiers: Orphanet 140162, MedGen C0027672, MeSH D009386, MONDO:0015356.
Familial cancer of breast. Also called: BREAST CANCER, FAMILIAL; Hereditary breast cancer; hereditary breast carcinoma. Identifiers: Orphanet 227535, MedGen C0346153, MONDO:0016419, OMIM 114480. Disease mechanism: loss of function.
Ataxia-telangiectasia syndrome (AT). Also called: Ataxia-telangiectasia, complementation group D; Ataxia-telangiectasia, complementation group E; LOUIS-BAR SYNDROME; Cerebello-oculocutaneous telangiectasia; Immunodeficiency with ataxia telangiectasia; AT, COMPLEMENTATION GROUP C. Identifiers: Orphanet 100, MedGen C0004135, MONDO:0008840, OMIM 208900.

Submissions (7):

PreventionGenetics, part of Exact Sciences
Classification: Pathogenic for ATM-related condition. Last evaluated: 2026-09-04. Review status: criteria provided, single submitter. Criteria: ACMG Guidelines, 2015. Collection method: clinical testing. Allele origin: germline.
Comment: The ATM c.2922-1G>T variant is predicted to disrupt the AG splice acceptor site and interfere with normal splicing. This variant has been reported in an individual with colorectal cancer (Table S1, Gong et al. 2019. PubMed ID: 31118792). Alternate changes impacting this same splice acceptor site (c.2922-1G>A and c.2922-2A>G) have been reported in the compound heterozygous or homozygous state in individuals with ataxia-telangiectasia (noted as IVS21-1G>A in Hiel et al. 2006. PubMed ID: 16864838; noted as IVS21-2A>G in Eng et al. 2004. PubMed ID:14695534). This variant has not been reported in a large population database (gnomAD), indicating this variant is rare, and it is interpreted as pathogenic/likely pathogenic in the ClinVar database (Variation ID: 490499). Variants that disrupt the consensus splice acceptor site in ATM are expected to be pathogenic. This variant is interpreted as pathogenic.

Myriad Genetics, Inc.
Classification: Pathogenic for Familial cancer of breast. Last evaluated: 2026-04-28. Review status: criteria provided, single submitter. Criteria: Myriad Autosomal Dominant, Autosomal Recessive and X-Linked Classification Criteria (2023). Collection method: clinical testing. Allele origin: unknown.
Comment: This variant is considered pathogenic. This variant occurs within a consensus splice junction and is predicted to result in abnormal mRNA splicing of either an out-of-frame exon or an in-frame exon necessary for protein stability and/or normal function. This variant has been reported in multiple individuals with clinical features of gene-specific disease [PMID: 21665257, 16864838, 14695534, 21893220]. mRNA analysis has demonstrated abnormal mRNA splicing occurs [PMID: 40225916, 41596415]. Functional studies indicate this variant impacts protein function [PMID: 16864838, 14695534].

Labcorp Genetics (formerly Invitae), Labcorp
Classification: Pathogenic for Ataxia-telangiectasia syndrome. Last evaluated: 2025-01-27. Review status: criteria provided, single submitter. Criteria: Invitae Variant Classification Sherloc (09022015). Collection method: clinical testing. Allele origin: germline.
Comment: This sequence change affects an acceptor splice site in intron 19 of the ATM gene. It is expected to disrupt RNA splicing. Variants that disrupt the donor or acceptor splice site typically lead to a loss of protein function (PMID: 16199547), and loss-of-function variants in ATM are known to be pathogenic (PMID: 23807571, 25614872). This variant is not present in population databases (gnomAD no frequency). Disruption of this splice site has been observed in individual(s) with ataxia telangiectasia (PMID: 22213089). ClinVar contains an entry for this variant (Variation ID: 490499). Algorithms developed to predict the effect of sequence changes on RNA splicing suggest that this variant may disrupt the consensus splice site. For these reasons, this variant has been classified as Pathogenic.

Institute for Biomarker Research, Medical Diagnostic Laboratories, L.L.C.
Classification: Likely pathogenic for Hereditary cancer-predisposing syndrome. Last evaluated: 2023-08-14. Review status: criteria provided, single submitter. Criteria: ACMG Guidelines, 2015. Collection method: clinical testing. Allele origin: germline.

Ambry Genetics
Classification: Likely pathogenic for Hereditary cancer-predisposing syndrome. Last evaluated: 2023-04-20. Review status: criteria provided, single submitter. Criteria: Ambry Variant Classification Scheme 2023. Collection method: clinical testing. Allele origin: germline.
Comment: The c.2922-1G>T intronic variant results from a G to T substitution one nucleotide upstream from coding exon 19 of the ATM gene. This variant is considered to be rare based on population cohorts in the Genome Aggregation Database (gnomAD). This nucleotide position is highly conserved in available vertebrate species. In silico splice site analysis predicts that this alteration will weaken the native splice acceptor site and will result in the creation or strengthening of a novel splice acceptor site. RNA studies have demonstrated that this alteration results in abnormal splicing in the set of samples tested (Ambry internal data). Alterations that disrupt the canonical splice site are expected to cause aberrant splicing, resulting in an abnormal protein or a transcript that is subject to nonsense-mediated mRNA decay. As such, this alteration is classified as likely pathogenic.

Color Diagnostics, LLC DBA Color Health
Classification: Likely pathogenic for Hereditary cancer-predisposing syndrome. Last evaluated: 2022-09-27. Review status: criteria provided, single submitter. Criteria: ACMG Guidelines, 2015. Collection method: clinical testing. Allele origin: germline.
Comment: This variant causes a G to T nucleotide substitution at the -1 position of intron 19 of the ATM gene. Splice site prediction tools predict that this variant may have a significant impact on RNA splicing. Although this prediction has not been confirmed in published RNA studies, this variant is expected to result in an absent or disrupted protein product. This variant has been reported in one individual affected with colorectal cancer (PMID: 31118792). This variant has not been identified in the general population by the Genome Aggregation Database (gnomAD). Loss of ATM function is a known mechanism of disease. Based on the available evidence, this variant is classified as Likely Pathogenic.

Counsyl
Classification: Likely pathogenic for Ataxia-telangiectasia syndrome. Last evaluated: 2017-06-29. Review status: no assertion criteria provided. Collection method: clinical testing. Allele origin: unknown. Not counted in ClinVar's aggregate classification.

Literature cited by the submitters: PubMed 21665257 (cited by Myriad Genetics, Inc.); PubMed 16864838 (cited by Myriad Genetics, Inc.); PubMed 14695534 (cited by Myriad Genetics, Inc.); PubMed 21893220 (cited by Myriad Genetics, Inc.); PubMed 40225916 (cited by Myriad Genetics, Inc.); PubMed 41596415 (cited by Myriad Genetics, Inc.); PubMed 16199547 (cited by Labcorp Genetics (formerly Invitae), Labcorp); PubMed 23807571 (cited by Labcorp Genetics (formerly Invitae), Labcorp); PubMed 25614872 (cited by Labcorp Genetics (formerly Invitae), Labcorp); PubMed 22213089 (cited by Labcorp Genetics (formerly Invitae), Labcorp); PubMed 31118792 (cited by Color Diagnostics, LLC DBA Color Health).